The following is an entry in ClinVar:

NM_001042432.2(CLN3):c.1198-2A>C

Gene: CLN3 (CLN3 lysosomal/endosomal transmembrane protein, battenin; minus strand). Cytogenetic location: 16p12.1.
Variant type: single nucleotide variant.
Coding change: c.1198-2A>C on transcript NM_001042432.2 (MANE Select); the canonical splice acceptor site of the intron before coding-DNA position 1198, A replaced by C.
Molecular consequence: splice acceptor variant.
Genome position (GRCh38, 1-based): chr16:28,477,637, T>G on the plus strand (A>C on the coding strand, the complement: CLN3 is on the minus strand). VCF-style: chr16-28477637-T-G. GRCh37 (hg19) VCF-style: chr16-28488958-T-G.
Other names: c.964-2A>C (NM_001286109.2); c.1126-2A>C (NM_001286104.2); c.898-2A>C (NM_001286105.2); c.1036-2A>C (NM_001286110.2); c.1198-2A>C (NM_000086.2).
Identifiers: ClinVar variation 1076288 (VCV001076288.9), dbSNP rs2141693746, ClinGen allele CA395342110.

ClinVar aggregate classification (germline): Pathogenic (1 of 4 stars; one submission).

Conditions:
Neuronal ceroid lipofuscinosis. Also called: Neuronal Ceroid Lipofuscinoses. Identifiers: Orphanet 216, Orphanet 79263, MedGen C0027877, MONDO:0016295. Disease mechanism: loss of function.

Submission:

Labcorp Genetics (formerly Invitae), Labcorp
Classification: Pathogenic for Neuronal ceroid lipofuscinosis. Last evaluated: 2022-03-10. Review status: criteria provided, single submitter. Criteria: Invitae Variant Classification Sherloc (09022015). Collection method: clinical testing. Allele origin: germline.
Comment: This sequence change affects an acceptor splice site in intron 15 of the CLN3 gene. RNA analysis indicates that disruption of this splice site induces altered splicing and likely disrupts the C-terminus of the protein. Variants that disrupt the consensus splice site are a relatively common cause of aberrant splicing (PMID: 17576681, 9536098). Studies have shown that disruption of this splice site results in activation of a cryptic splice site and introduces a new termination codon (PMID: 9311735). However the mRNA is not expected to undergo nonsense-mediated decay. ClinVar contains an entry for this variant (Variation ID: 1076288). Disruption of this splice site has been observed in individual(s) with juvenile neuronal ceroid lipofucinosis (PMID: 9311735). It has also been observed to segregate with disease in related individuals. This variant is not present in population databases (gnomAD no frequency). For these reasons, this variant has been classified as Pathogenic.

Literature cited by the submitters: PubMed 17576681; PubMed 9536098; PubMed 9311735.